The following is an entry in ClinVar:

ClinVar aggregate classification (germline): Uncertain significance. Review status: criteria provided, multiple submitters, no conflicts (2 of 4 stars). 2 submissions from 2 submitters: Uncertain significance (2). Last evaluated 2025-11-06.

Conditions:
Inborn genetic diseases. Identifiers: MedGen C0950123, MeSH D030342.
SLC35A2-congenital disorder of glycosylation. Also called: CONGENITAL DISORDER OF GLYCOSYLATION, TYPE IIm; CDG IIm; CONGENITAL DISORDER OF GLYCOSYLATION, TYPE IIm, SOMATIC MOSAIC; EPILEPTIC ENCEPHALOPATHY, EARLY INFANTILE, 22; SLC35A2-CDG; DEVELOPMENTAL AND EPILEPTIC ENCEPHALOPATHY 22. Identifiers: Orphanet 356961, MedGen C3806688, MONDO:0010478, OMIM 300896.

Submissions (2):

Labcorp Genetics (formerly Invitae), Labcorp
Classification: Uncertain significance for SLC35A2-congenital disorder of glycosylation. Last evaluated: 2025-11-06. Review status: criteria provided, single submitter. Criteria: Invitae Variant Classification Sherloc (09022015). Collection method: clinical testing. Allele origin: germline.
Comment: This sequence change replaces alanine, which is neutral and non-polar, with threonine, which is neutral and polar, at codon 344 of the SLC35A2 protein (p.Ala344Thr). The frequency data for this variant in the population databases is considered unreliable, as metrics indicate poor data quality at this position in the gnomAD database. This variant has not been reported in the literature in individuals affected with SLC35A2-related conditions. ClinVar contains an entry for this variant (Variation ID: 1504239). Invitae Evidence Modeling of protein sequence and biophysical properties (such as structural, functional, and spatial information, amino acid conservation, physicochemical variation, residue mobility, and thermodynamic stability) indicates that this missense variant is not expected to disrupt SLC35A2 protein function with a negative predictive value of 80%. In summary, the available evidence is currently insufficient to determine the role of this variant in disease. Therefore, it has been classified as a Variant of Uncertain Significance.

Ambry Genetics
Classification: Uncertain significance for Inborn genetic diseases. Last evaluated: 2022-08-17. Review status: criteria provided, single submitter. Criteria: Ambry Variant Classification Scheme 2023. Collection method: clinical testing. Allele origin: germline.

NM_005660.3(SLC35A2):c.1030G>A (p.Ala344Thr)

Gene: SLC35A2 (solute carrier family 35 member A2; minus strand). Cytogenetic location: Xp11.23.
Variant type: single nucleotide variant.
Coding change: c.1030G>A on transcript NM_005660.3 (MANE Select); coding-DNA position 1030, G replaced by A.
Protein change: p.Ala344Thr; replaces alanine 344 with threonine.
Molecular consequence: missense variant.
Genome position (GRCh38, 1-based): chrX:48,904,879, C>T on the plus strand (G>A on the coding strand, the complement: SLC35A2 is on the minus strand). VCF-style: chrX-48904879-C-T. GRCh37 (hg19) VCF-style: chrX-48762156-C-T.
Other names: c.440G>A, p.Cys147Tyr (NM_001032289.3, NM_001282647.2); c.1030G>A, p.Ala344Thr (NM_001042498.3); c.368G>A, p.Cys123Tyr (NM_001282648.2); c.847G>A, p.Ala283Thr (NM_001282649.2); c.1069G>A, p.Ala357Thr (NM_001282650.2); c.1114G>A, p.Ala372Thr (NM_001282651.2); c.1030G>A (NM_001042498.2); short protein forms A357T, C123Y, C147Y, A283T, A372T, A344T.
Identifiers: ClinVar variation 1504239 (VCV001504239.7), dbSNP rs369861178, ClinGen allele CA412894441.